The following is an entry in ClinVar:

ClinVar aggregate classification (germline): Uncertain significance (1 of 4 stars; one submission).

Conditions:
Dextro-looped transposition of the great arteries. Also called: Dextrotransposition of the great arteries. Identifiers: Orphanet 860, MedGen C3531771, MONDO:0019443, OMIM 608808, HP:0031348.

gnomAD v4.1: 1 of 1,599,222 alleles (0.000063%); highest among the groups gnomAD compares: Non-Finnish European, 0.000086%; no homozygotes.

Submission:

Labcorp Genetics (formerly Invitae), Labcorp
Classification: Uncertain significance for Dextro-looped transposition of the great arteries. Last evaluated: 2024-01-29. Review status: criteria provided, single submitter. Criteria: Invitae Variant Classification Sherloc (09022015). Collection method: clinical testing. Allele origin: germline.
Comment: This sequence change falls in intron 22 of the MED13L gene. It does not directly change the encoded amino acid sequence of the MED13L protein. This variant is not present in population databases (gnomAD no frequency). This variant has not been reported in the literature in individuals affected with MED13L-related conditions. Algorithms developed to predict the effect of sequence changes on RNA splicing suggest that this variant may disrupt the consensus splice site. In summary, the available evidence is currently insufficient to determine the role of this variant in disease. Therefore, it has been classified as a Variant of Uncertain Significance.

NM_015335.5(MED13L):c.5175+10T>G

Gene: MED13L (mediator complex subunit 13L; minus strand). Cytogenetic location: 12q24.21.
Variant type: single nucleotide variant.
Coding change: c.5175+10T>G on transcript NM_015335.5 (MANE Select); 10 bases into the intron after coding-DNA position 5175, T replaced by G.
Molecular consequence: intron variant.
Genome position (GRCh38, 1-based): chr12:115,982,374, A>C on the plus strand (T>G on the coding strand, the complement: MED13L is on the minus strand). VCF-style: chr12-115982374-A-C. GRCh37 (hg19) VCF-style: chr12-116420179-A-C.
Identifiers: ClinVar variation 2801490 (VCV002801490.3), dbSNP rs540492867, ClinGen allele CA2065371248.